The following is an entry in ClinVar:

NM_014712.3(SETD1A):c.3391C>G (p.Leu1131Val)

Gene: SETD1A (SET domain containing 1A, histone lysine methyltransferase; plus strand). Cytogenetic location: 16p11.2.
Variant type: single nucleotide variant.
Coding change: c.3391C>G on transcript NM_014712.3 (MANE Select); coding-DNA position 3391, C replaced by G.
Protein change: p.Leu1131Val; replaces leucine 1131 with valine.
Molecular consequence: missense variant.
Genome position (GRCh38, 1-based): chr16:30,979,177, C>G. VCF-style: chr16-30979177-C-G. GRCh37 (hg19) VCF-style: chr16-30990498-C-G.
Other names: short protein forms L1131V.
Identifiers: ClinVar variation 4539838 (VCV004539838.1).

ClinVar aggregate classification (germline): Uncertain significance (1 of 4 stars; one submission).

Submission:

GeneDx
Classification: Uncertain significance. Last evaluated: 2025-06-24. Review status: criteria provided, single submitter. Criteria: GeneDx Variant Classification Process June 2021. Collection method: clinical testing. Allele origin: germline. Affected: yes.
Comment: Not observed at significant frequency in large population cohorts (gnomAD); In silico analysis suggests that this missense variant does not alter protein structure/function; Has not been previously published as pathogenic or benign to our knowledge